The following is an entry in ClinVar:

ClinVar aggregate classification (germline): Uncertain significance. Review status: criteria provided, multiple submitters, no conflicts (2 of 4 stars). 2 submissions from 2 submitters: Uncertain significance (2). Last evaluated 2024-02-08.

Allele frequency attached by ClinVar (database versions not stated): TOPMed below 0.00001; gnomAD 0.00001.
gnomAD v4.1: 46 of 994,690 alleles (0.0046%); highest among the groups gnomAD compares: Non-Finnish European, 0.0053%; no homozygotes.

Submissions (2):

Women's Health and Genetics/Laboratory Corporation of America, LabCorp
Classification: Uncertain significance. Last evaluated: 2024-02-08. Review status: criteria provided, single submitter. Criteria: LabCorp Variant Classification Summary - May 2015. Collection method: clinical testing. Allele origin: germline.
Comment: Variant summary: SMARCA2 c.842C>T (p.Pro281Leu) results in a non-conservative amino acid change in the encoded protein sequence. Four of five in-silico tools predict a damaging effect of the variant on protein function. The frequency data for this variant in gnomAD is considered unreliable, as metrics indicate poor data quality at this position. To our knowledge, no occurrence of c.842C>T in individuals affected with Nicolaides-Baraitser Syndrome and no experimental evidence demonstrating its impact on protein function have been reported. ClinVar contains an entry for this variant (Variation ID: 1976008). Based on the evidence outlined above, the variant was classified as uncertain significance.

Labcorp Genetics (formerly Invitae), Labcorp
Classification: Uncertain significance. Last evaluated: 2022-09-03. Review status: criteria provided, single submitter. Criteria: Invitae Variant Classification Sherloc (09022015). Collection method: clinical testing. Allele origin: germline.
Comment: The frequency data for this variant in the population databases is considered unreliable, as metrics indicate insufficient coverage at this position in the gnomAD database. This variant has not been reported in the literature in individuals affected with SMARCA2-related conditions. Advanced modeling of protein sequence and biophysical properties (such as structural, functional, and spatial information, amino acid conservation, physicochemical variation, residue mobility, and thermodynamic stability) performed at Invitae indicates that this missense variant is not expected to disrupt SMARCA2 protein function. In summary, the available evidence is currently insufficient to determine the role of this variant in disease. Therefore, it has been classified as a Variant of Uncertain Significance. This sequence change replaces proline, which is neutral and non-polar, with leucine, which is neutral and non-polar, at codon 281 of the SMARCA2 protein (p.Pro281Leu).

NM_003070.5(SMARCA2):c.842C>T (p.Pro281Leu)

Gene: SMARCA2 (SWI/SNF related BAF chromatin remodeling complex subunit ATPase 2; plus strand). Cytogenetic location: 9p24.3.
Variant type: single nucleotide variant.
Coding change: c.842C>T on transcript NM_003070.5 (MANE Select); coding-DNA position 842, C replaced by T.
Protein change: p.Pro281Leu; replaces proline 281 with leucine.
Molecular consequence: missense variant.
Genome position (GRCh38, 1-based): chr9:2,047,280, C>T. VCF-style: chr9-2047280-C-T. GRCh37 (hg19) VCF-style: chr9-2047280-C-T.
Other names: c.842C>T, p.Pro281Leu (NM_001289396.2, NM_001289397.2, NM_139045.4); short protein forms P281L.
Identifiers: ClinVar variation 1976008 (VCV001976008.7), dbSNP rs1429794514, ClinGen allele CA372780800.